The following is an entry in ClinVar:

NM_001164508.2(NEB):c.5973T>A (p.His1991Gln)

Gene: NEB (nebulin; minus strand). Cytogenetic location: 2q23.3.
Variant type: single nucleotide variant.
Coding change: c.5973T>A on transcript NM_001164508.2 (MANE Select); coding-DNA position 5973, T replaced by A.
Protein change: p.His1991Gln; replaces histidine 1991 with glutamine.
Molecular consequence: missense variant.
Genome position (GRCh38, 1-based): chr2:151,659,167, A>T on the plus strand (T>A on the coding strand, the complement: NEB is on the minus strand). VCF-style: chr2-151659167-A-T. GRCh37 (hg19) VCF-style: chr2-152515681-A-T.
Other names: c.5973T>A, p.His1991Gln (NM_001164507.2, NM_001271208.2, NM_004543.5); short protein forms H1991Q.
Identifiers: ClinVar variation 2771065 (VCV002771065.3), dbSNP rs2552254270, ClinGen allele CA348803552.

ClinVar aggregate classification (germline): Uncertain significance (1 of 4 stars; one submission).

Conditions:
Nemaline myopathy 2 (NEM2). Also called: Nemaline myopathy 2, autosomal recessive. Identifiers: MedGen C1850569, MONDO:0009725, OMIM 256030.

Submission:

Labcorp Genetics (formerly Invitae), Labcorp
Classification: Uncertain significance for Nemaline myopathy 2. Last evaluated: 2023-10-22. Review status: criteria provided, single submitter. Criteria: Invitae Variant Classification Sherloc (09022015). Collection method: clinical testing. Allele origin: germline.
Comment: This sequence change replaces histidine, which is basic and polar, with glutamine, which is neutral and polar, at codon 1991 of the NEB protein (p.His1991Gln). This variant is not present in population databases (gnomAD no frequency). This variant has not been reported in the literature in individuals affected with NEB-related conditions. Experimental studies and prediction algorithms are not available or were not evaluated, and the functional significance of this variant is currently unknown. In summary, the available evidence is currently insufficient to determine the role of this variant in disease. Therefore, it has been classified as a Variant of Uncertain Significance.